The following is an entry in ClinVar:

NM_006206.6(PDGFRA):c.2351A>G (p.Asp784Gly)

Gene: PDGFRA (platelet derived growth factor receptor alpha; plus strand). Cytogenetic location: 4q12.
Variant type: single nucleotide variant.
Coding change: c.2351A>G on transcript NM_006206.6 (MANE Select); coding-DNA position 2351, A replaced by G.
Protein change: p.Asp784Gly; replaces aspartic acid 784 with glycine.
Molecular consequence: missense variant.
Genome position (GRCh38, 1-based): chr4:54,285,398, A>G. VCF-style: chr4-54285398-A-G. GRCh37 (hg19) VCF-style: chr4-55151565-A-G.
Other names: c.2426A>G, p.Asp809Gly (NM_001347828.2); c.2351A>G, p.Asp784Gly (NM_001347829.2); c.2390A>G, p.Asp797Gly (NM_001347830.2); short protein forms D784G, D797G, D809G.
Identifiers: ClinVar variation 571771 (VCV000571771.12), dbSNP rs900860957, ClinGen allele CA356894636.

ClinVar aggregate classification (germline): Uncertain significance. Review status: criteria provided, multiple submitters, no conflicts (2 of 4 stars). 2 submissions from 2 submitters: Uncertain significance (2). Last evaluated 2026-08-28.

Conditions:
Hereditary cancer-predisposing syndrome. Also called: Neoplastic Syndromes, Hereditary; Hereditary Cancer Syndrome; Hereditary neoplastic syndrome; Tumor predisposition. Identifiers: Orphanet 140162, MedGen C0027672, MeSH D009386, MONDO:0015356.
Gastrointestinal stromal tumor. Also called: Gastrointestinal stromal tumor, somatic; Gastrointestinal stroma tumor. Identifiers: Orphanet 44890, MedGen C0238198, MeSH D046152, MONDO:0011719, OMIM 606764, HP:0100723.

gnomAD v4.1: 10 of 1,523,718 alleles (0.00066%); highest among the groups gnomAD compares: East Asian, 0.013%; no homozygotes.

Submissions (2):

Ambry Genetics
Classification: Uncertain significance for Hereditary cancer-predisposing syndrome. Last evaluated: 2026-08-28. Review status: criteria provided, single submitter. Criteria: Ambry Variant Classification Scheme 2023. Collection method: clinical testing. Allele origin: germline.
Comment: The p.D784G variant (also known as c.2351A>G), located in coding exon 16 of the PDGFRA gene, results from an A to G substitution at nucleotide position 2351. The aspartic acid at codon 784 is replaced by glycine, an amino acid with similar properties. This amino acid position is well conserved in available vertebrate species. In addition, the in silico prediction for this alteration is inconclusive. Based on the available evidence, the clinical significance of this variant remains unclear.

Labcorp Genetics (formerly Invitae), Labcorp
Classification: Uncertain significance for Gastrointestinal stromal tumor. Last evaluated: 2020-12-11. Review status: criteria provided, single submitter. Criteria: Invitae Variant Classification Sherloc (09022015). Collection method: clinical testing. Allele origin: germline.
Comment: In summary, the available evidence is currently insufficient to determine the role of this variant in disease. Therefore, it has been classified as a Variant of Uncertain Significance. Algorithms developed to predict the effect of sequence changes on RNA splicing suggest that this variant may create or strengthen a splice site, but this prediction has not been confirmed by published transcriptional studies. Algorithms developed to predict the effect of missense changes on protein structure and function are either unavailable or do not agree on the potential impact of this missense change (SIFT: "Tolerated"; PolyPhen-2: "Probably Damaging"; Align-GVGD: "Class C35"). This variant has not been reported in the literature in individuals with PDGFRA-related conditions. ClinVar contains an entry for this variant (Variation ID: 571771). This variant is not present in population databases (ExAC no frequency). This sequence change replaces aspartic acid with glycine at codon 784 of the PDGFRA protein (p.Asp784Gly). The aspartic acid residue is highly conserved and there is a moderate physicochemical difference between aspartic acid and glycine.